The following is an entry in ClinVar:

ClinVar aggregate classification (germline): Conflicting classifications of pathogenicity. Review status: criteria provided, conflicting classifications (1 of 4 stars). 4 submissions from 4 submitters: Uncertain significance (1); Likely benign (2). 1 of the submissions does not count toward it. Last evaluated 2026-01-18.

Conditions:
Kabuki syndrome. Also called: NIIKAWA-KUROKI SYNDROME; Kabuki make-up syndrome. Identifiers: Orphanet 2322, MedGen C0796004, MONDO:0016512.
KMT2D-related disorder. Also called: KMT2D-Related Disorders.
Kabuki syndrome 1 (KABUK1). Also called: KMT2D-Related Kabuki Syndrome. Identifiers: Orphanet 2322, MedGen CN030661, MONDO:0007843, OMIM 147920.

Allele frequency attached by ClinVar (database versions not stated): gnomAD exomes 0.00001 and 0.00003; ExAC 0.00002; gnomAD 0.00006; TOPMed 0.00017.
gnomAD v4.1: 30 of 1,613,614 alleles (0.0019%); highest among the groups gnomAD compares: Admixed American, 0.032%; 1 homozygote.

Submissions (4):

Labcorp Genetics (formerly Invitae), Labcorp
Classification: Likely benign for Kabuki syndrome. Last evaluated: 2026-01-18. Review status: criteria provided, single submitter. Criteria: Invitae Variant Classification Sherloc (09022015). Collection method: clinical testing. Allele origin: germline.

GeneDx
Classification: Likely benign. Last evaluated: 2020-10-01. Review status: criteria provided, single submitter. Criteria: GeneDx Variant Classification Process June 2021. Collection method: clinical testing. Allele origin: germline. Affected: yes.
Comment: Has not been previously published as pathogenic or benign to our knowledge; In-silico analysis, which includes splice predictors and evolutionary conservation, is inconclusive as to whether the variant alters gene splicing. In the absence of RNA/functional studies, the actual effect of this sequence change is unknown.

Center for Human Genetics, Inc
Classification: Uncertain significance for Kabuki syndrome 1. Last evaluated: 2016-11-01. Review status: criteria provided, single submitter. Criteria: ACMG Guidelines, 2015. Collection method: clinical testing. Allele origin: germline. Affected: yes.

PreventionGenetics, part of Exact Sciences
Classification: Likely benign for KMT2D-related condition. Last evaluated: 2022-05-06. Review status: no assertion criteria provided. Collection method: clinical testing. Allele origin: germline. Not counted in ClinVar's aggregate classification.
Comment: This variant is classified as likely benign based on ACMG/AMP sequence variant interpretation guidelines (Richards et al. 2015 PMID: 25741868, with internal and published modifications).

NM_003482.4(KMT2D):c.13531-10T>C

Gene: KMT2D (lysine methyltransferase 2D; minus strand). Cytogenetic location: 12q13.12.
Variant type: single nucleotide variant.
Coding change: c.13531-10T>C on transcript NM_003482.4 (MANE Select); 10 bases into the intron before coding-DNA position 13531, T replaced by C.
Molecular consequence: intron variant.
Genome position (GRCh38, 1-based): chr12:49,031,043, A>G on the plus strand (T>C on the coding strand, the complement: KMT2D is on the minus strand). VCF-style: chr12-49031043-A-G. GRCh37 (hg19) VCF-style: chr12-49424826-A-G.
Identifiers: ClinVar variation 547490 (VCV000547490.15), dbSNP rs769029919, ClinGen allele CA6545982.